The following is an entry in ClinVar:

NM_001347886.2(DNAH3):c.8833C>T (p.Arg2945Cys)

Gene: DNAH3 (dynein axonemal heavy chain 3; minus strand). Cytogenetic location: 16p12.3.
Variant type: single nucleotide variant.
Coding change: c.8833C>T on transcript NM_001347886.2 (MANE Select); coding-DNA position 8833, C replaced by T.
Protein change: p.Arg2945Cys; replaces arginine 2945 with cysteine.
Molecular consequence: missense variant.
Genome position (GRCh38, 1-based): chr16:20,964,913, G>A on the plus strand (C>T on the coding strand, the complement: DNAH3 is on the minus strand). VCF-style: chr16-20964913-G-A. GRCh37 (hg19) VCF-style: chr16-20976235-G-A.
Other names: c.8971C>T, p.Arg2991Cys (NM_017539.2); short protein forms R2945C, R2991C.
Identifiers: ClinVar variation 2464391 (VCV002464391.3), dbSNP rs777070451, ClinGen allele CA7946365.

ClinVar aggregate classification (germline): Conflicting classifications of pathogenicity. Review status: criteria provided, conflicting classifications (1 of 4 stars). 2 submissions from 2 submitters: Likely pathogenic (1); Uncertain significance (1). Last evaluated 2023-10-26.

Conditions:
Spermatogenic failure 18. Identifiers: MedGen C4539783, MONDO:0054615, OMIM 617576.

Allele frequency attached by ClinVar (database versions not stated): gnomAD 0.00001; TOPMed 0.00002; ExAC 0.00004; gnomAD exomes 0.00004.
gnomAD v4.1: 59 of 1,614,024 alleles (0.0037%); highest among the groups gnomAD compares: East Asian, 0.027%; no homozygotes.

Submissions (2):

Institute of Reproductive and Stem Cell Engineering, Central South University
Classification: Likely pathogenic for Spermatogenic failure 18. Last evaluated: 2023-10-26. Review status: criteria provided, single submitter. Criteria: Tu et al. (Clin Genet. 2020). Collection method: research. Allele origin: inherited. Inheritance: Autosomal recessive inheritance. Affected: yes. Observed: 1 compound heterozygote.
Comment: The DNAH3 variant (Arg2991Cys) was shown to be highly conserved across multiple species and recorded as rare and predicted to be deleterious via in silico bioinformatics databases. Three-dimensional modelling of the DNAH3 protein showed that this mutation disrupted hydrogen bonds and altered the distance between atoms of adjacent amino acids, which is likely to disrupt protein stability and function. Western blot have showed that expression of DNAH3 protein was decressed in the spermatozoa from the patient. In addition, the two Dnah3 knockout mice lines generated in our experiments recapitulated asthenoteratozoospermia similar to the patient. In summary, the variant (Arg2991Cys) meets our criteria to be classifiedas likely pathogenic based upon segregation studies, bioinformatics prediction in silico, and functional experiment evidence.

Ambry Genetics
Classification: Uncertain significance. Last evaluated: 2023-02-16. Review status: criteria provided, single submitter. Criteria: Ambry Variant Classification Scheme 2023. Collection method: clinical testing. Allele origin: germline.